The following is an entry in ClinVar:

NM_000304.4(PMP22):c.158G>A (p.Cys53Tyr)

Gene: PMP22 (peripheral myelin protein 22; minus strand). Cytogenetic location: 17p12.
Variant type: single nucleotide variant.
Coding change: c.158G>A on transcript NM_000304.4 (MANE Select); coding-DNA position 158, G replaced by A.
Protein change: p.Cys53Tyr; replaces cysteine 53 with tyrosine.
Molecular consequence: missense variant. On other transcripts: non-coding transcript variant (1).
Genome position (GRCh38, 1-based): chr17:15,259,114, C>T on the plus strand (G>A on the coding strand, the complement: PMP22 is on the minus strand). VCF-style: chr17-15259114-C-T. GRCh37 (hg19) VCF-style: chr17-15162431-C-T.
Other names: c.158G>A, p.Cys53Tyr (NM_001281455.2, NM_001281456.2, NM_001330143.2 and 2 more transcripts); short protein forms C53Y.
Identifiers: ClinVar variation 4777443 (VCV004777443.1).
Genomic context (GRCh38, chr17:15,259,114, plus strand): 5'-CGTCTGAGGACAAGCTCATGGAGCACAAAACCAGCCTCACCGTTTGGTGATGATGAGAAA[C>T]AGTGGTGGACATTTCCTGAGGAAGAGGTGCTACAGTTCTGCCAGAGATCAGTTGCGTGTC-3'
Protein context (NP_000295.1, residues 43-63): STSSSGNVHH[Cys53Tyr]FSSSPNEWLQ

ClinVar aggregate classification (germline): Uncertain significance (1 of 4 stars; one submission).

Conditions:
Charcot-Marie-Tooth disease, type I (CMT1). Also called: Charcot-Marie-Tooth, Type 1; Charcot-Marie-Tooth disease type 1. Identifiers: Orphanet 65753, MedGen C0751036, MONDO:0019011.

gnomAD v4.1: 3 of 1,613,588 alleles (0.00019%); highest among the groups gnomAD compares: Non-Finnish European, 0.00025%; no homozygotes.

Submission:

Labcorp Genetics (formerly Invitae), Labcorp
Classification: Uncertain significance for Charcot-Marie-Tooth disease, type I. Last evaluated: 2025-09-18. Review status: criteria provided, single submitter. Criteria: Invitae Variant Classification Sherloc (09022015). Collection method: clinical testing. Allele origin: germline.
Comment: This sequence change replaces cysteine, which is neutral and slightly polar, with tyrosine, which is neutral and polar, at codon 53 of the PMP22 protein (p.Cys53Tyr). This variant is not present in population databases (gnomAD no frequency). This variant has not been reported in the literature in individuals affected with PMP22-related conditions. Invitae Evidence Modeling of protein sequence and biophysical properties (such as structural, functional, and spatial information, amino acid conservation, physicochemical variation, residue mobility, and thermodynamic stability) indicates that this missense variant is expected to disrupt PMP22 protein function with a positive predictive value of 95%. In summary, the available evidence is currently insufficient to determine the role of this variant in disease. Therefore, it has been classified as a Variant of Uncertain Significance.